The following is an entry in ClinVar:

NM_004370.6(COL12A1):c.5207A>G (p.Asp1736Gly)

Gene: COL12A1 (collagen type XII alpha 1 chain; minus strand). Cytogenetic location: 6q13.
Variant type: single nucleotide variant.
Coding change: c.5207A>G on transcript NM_004370.6 (MANE Select); coding-DNA position 5207, A replaced by G.
Protein change: p.Asp1736Gly; replaces aspartic acid 1736 with glycine.
Molecular consequence: missense variant.
Genome position (GRCh38, 1-based): chr6:75,138,471, T>C on the plus strand (A>G on the coding strand, the complement: COL12A1 is on the minus strand). VCF-style: chr6-75138471-T-C. GRCh37 (hg19) VCF-style: chr6-75848187-T-C.
Other names: c.1715A>G, p.Asp572Gly (NM_080645.3); short protein forms D1736G, D572G.
Identifiers: ClinVar variation 653341 (VCV000653341.15), dbSNP rs762021815, ClinGen allele CA3893231.
Genomic context (GRCh38, chr6:75,138,471, plus strand): 5'-AAAATATCAATGTCCTATTTGAAAGCTAAACACCTACGTGTGCGCTCACTGCCAATCAGG[T>C]CATCACTTTCTGACTCATCAGGATAGATGGCAGTAATGGAAACTTCATAGATGGTGTTGG-3'
Protein context (NP_004361.3, residues 1726-1746): AIYPDESESD[Asp1736Gly]LIGSERTLPI

ClinVar aggregate classification (germline): Conflicting classifications of pathogenicity. Review status: criteria provided, conflicting classifications (1 of 4 stars). 4 submissions from 4 submitters: Uncertain significance (3); Likely benign (1). Last evaluated 2026-01-14.

Conditions:
Inborn genetic diseases. Identifiers: MedGen C0950123, MeSH D030342.
Ullrich congenital muscular dystrophy 2 (UCMD2). Identifiers: Orphanet 75840, MedGen C4225314, MONDO:0014654, OMIM 616470.
Bethlem myopathy 2 (BTHLM2). Identifiers: Orphanet 536516, Orphanet 610, MedGen C4225313, MONDO:0034022, OMIM 616471.

Allele frequency attached by ClinVar (database versions not stated): ExAC 0.00001; gnomAD exomes below 0.00001; gnomAD 0.00001; TOPMed 0.00001.
gnomAD v4.1: 6 of 1,613,860 alleles (0.00037%); highest among the groups gnomAD compares: Non-Finnish European, 0.00051%; no homozygotes.

Submissions (4):

GeneDx
Classification: Uncertain significance. Last evaluated: 2026-01-14. Review status: criteria provided, single submitter. Criteria: GeneDx Variant Classification Process June 2021. Collection method: clinical testing. Allele origin: germline. Affected: yes.
Comment: Not observed at significant frequency in large population cohorts (gnomAD); In silico analysis suggests that this missense variant does not alter protein structure/function; Has not been previously published as pathogenic or benign to our knowledge

Labcorp Genetics (formerly Invitae), Labcorp
Classification: Likely benign for Bethlem myopathy 2; Ullrich congenital muscular dystrophy 2. Last evaluated: 2025-02-13. Review status: criteria provided, single submitter. Criteria: Invitae Variant Classification Sherloc (09022015). Collection method: clinical testing. Allele origin: germline.

Ambry Genetics
Classification: Uncertain significance for Inborn genetic diseases. Last evaluated: 2023-01-26. Review status: criteria provided, single submitter. Criteria: Ambry Variant Classification Scheme 2023. Collection method: clinical testing. Allele origin: germline.

CENTOGENE GmbH and LLC - Guiding Precision Medicine
Classification: Uncertain significance for Ullrich congenital muscular dystrophy 2. Last evaluated: 2019-04-18. Review status: criteria provided, single submitter. Criteria: ACMG Guidelines, 2015. Collection method: clinical testing. Allele origin: paternal. Affected: yes.